The following is an entry in ClinVar:

ClinVar aggregate classification (germline): Likely benign. Review status: criteria provided, multiple submitters, no conflicts (2 of 4 stars). 2 submissions from 2 submitters: Likely benign (2). Last evaluated 2026-01-19.

Conditions:
Joubert syndrome. Also called: CEREBELLOPARENCHYMAL DISORDER IV; JOUBERT-BOLTSHAUSER SYNDROME; Familial aplasia of the vermis. Identifiers: Orphanet 475, MedGen C5979921, MONDO:0018772.
Meckel-Gruber syndrome. Also called: Dysencephalia splachnocystica; DYSENCEPHALIA SPLANCHNOCYSTICA; GRUBER SYNDROME. Identifiers: Orphanet 564, MedGen C0265215, MONDO:0018921.

Allele frequency attached by ClinVar (database versions not stated): gnomAD 0.00001; gnomAD exomes 0.00002 and 0.00004; TOPMed 0.00002.
gnomAD v4.1: 13 of 1,614,000 alleles (0.00081%); highest among the groups gnomAD compares: Admixed American, 0.022%; no homozygotes.

Submissions (2):

Labcorp Genetics (formerly Invitae), Labcorp
Classification: Likely benign for Joubert syndrome; Meckel-Gruber syndrome. Last evaluated: 2026-01-19. Review status: criteria provided, single submitter. Criteria: Invitae Variant Classification Sherloc (09022015). Collection method: clinical testing. Allele origin: germline.

GeneDx
Classification: Likely benign. Last evaluated: 2018-06-08. Review status: criteria provided, single submitter. Criteria: GeneDx Variant Classification (06012015). Collection method: clinical testing. Allele origin: germline. Affected: yes.
Comment: This variant is considered likely benign or benign based on one or more of the following criteria: it is a conservative change, it occurs at a poorly conserved position in the protein, it is predicted to be benign by multiple in silico algorithms, and/or has population frequency not consistent with disease.

NM_024809.5(TCTN2):c.1895+12G>A

Gene: TCTN2 (tectonic family member 2; plus strand). Cytogenetic location: 12q24.31.
Variant type: single nucleotide variant.
Coding change: c.1895+12G>A on transcript NM_024809.5 (MANE Select); 12 bases into the intron after coding-DNA position 1895, G replaced by A.
Molecular consequence: intron variant.
Genome position (GRCh38, 1-based): chr12:123,706,863, G>A. VCF-style: chr12-123706863-G-A. GRCh37 (hg19) VCF-style: chr12-124191410-G-A.
Other names: c.1892+12G>A (NM_001143850.3).
Identifiers: ClinVar variation 669235 (VCV000669235.9), dbSNP rs1248269049, ClinGen allele CA608507457.